The following is an entry in ClinVar:

ClinVar aggregate classification (germline): Uncertain significance (1 of 4 stars; one submission).

Allele frequency attached by ClinVar (database versions not stated): gnomAD 0.00001; gnomAD exomes 0.00002; TOPMed 0.00002; ExAC 0.00003.
gnomAD v4.1: 33 of 1,614,112 alleles (0.002%); highest among the groups gnomAD compares: Middle Eastern, 0.016%; no homozygotes.

Submission:

Labcorp Genetics (formerly Invitae), Labcorp
Classification: Uncertain significance. Last evaluated: 2025-03-16. Review status: criteria provided, single submitter. Criteria: Invitae Variant Classification Sherloc (09022015). Collection method: clinical testing. Allele origin: germline.
Comment: This sequence change replaces isoleucine, which is neutral and non-polar, with valine, which is neutral and non-polar, at codon 141 of the RAB33B protein (p.Ile141Val). This variant is present in population databases (rs763106736, gnomAD 0.004%). This variant has not been reported in the literature in individuals affected with RAB33B-related conditions. ClinVar contains an entry for this variant (Variation ID: 1411236). An algorithm developed to predict the effect of missense changes on protein structure and function (PolyPhen-2) suggests that this variant is likely to be tolerated. In summary, the available evidence is currently insufficient to determine the role of this variant in disease. Therefore, it has been classified as a Variant of Uncertain Significance.

NM_031296.3(RAB33B):c.421A>G (p.Ile141Val)

Gene: RAB33B (RAB33B, member RAS oncogene family; plus strand). Cytogenetic location: 4q31.1.
Variant type: single nucleotide variant.
Coding change: c.421A>G on transcript NM_031296.3 (MANE Select); coding-DNA position 421, A replaced by G.
Protein change: p.Ile141Val; replaces isoleucine 141 with valine.
Molecular consequence: missense variant.
Genome position (GRCh38, 1-based): chr4:139,472,857, A>G. VCF-style: chr4-139472857-A-G. GRCh37 (hg19) VCF-style: chr4-140394011-A-G.
Other names: short protein forms I141V.
Identifiers: ClinVar variation 1411236 (VCV001411236.5), dbSNP rs763106736, ClinGen allele CA3084016.
Genomic context (GRCh38, chr4:139,472,857, plus strand): 5'-AGTTTTCATAGCCTACCATCTTGGATAGAAGAATGCAAACAACATTTGCTAGCCAATGAT[A>G]TACCACGGATTCTTGTTGGAAATAAATGTGACTTGAGAAGTGCCATACAGGTACCCACAG-3'
Protein context (NP_112586.1, residues 131-151): ECKQHLLAND[Ile141Val]PRILVGNKCD